The following is an entry in ClinVar:

ClinVar aggregate classification (germline): Uncertain significance. Review status: criteria provided, multiple submitters, no conflicts (2 of 4 stars). 2 submissions from 2 submitters: Uncertain significance (2). Last evaluated 2025-09-28.

Conditions:
Anterior segment dysgenesis. Also called: Ocular anterior segment dysgenesis. Identifiers: Orphanet 88632, MedGen C1862839, MONDO:0019503, HP:0007700.
Congenital primary aphakia. Also called: ANTERIOR SEGMENT DYSGENESIS 2; Anterior segment dysgenesis 2, multiple subtypes. Identifiers: Orphanet 83461, MedGen C1853230, MONDO:0012456, OMIM 610256.
Cardiovascular phenotype. Identifiers: MedGen CN230736.

Allele frequency attached by ClinVar (database versions not stated): gnomAD 0.00001; gnomAD exomes 0.00003.

Submissions (2):

Labcorp Genetics (formerly Invitae), Labcorp
Classification: Uncertain significance for Anterior segment dysgenesis; Congenital primary aphakia. Last evaluated: 2025-09-28. Review status: criteria provided, single submitter. Criteria: Invitae Variant Classification Sherloc (09022015). Collection method: clinical testing. Allele origin: germline.
Comment: This sequence change replaces proline, which is neutral and non-polar, with serine, which is neutral and polar, at codon 266 of the FOXE3 protein (p.Pro266Ser). The frequency data for this variant in the population databases is considered unreliable, as metrics indicate poor data quality at this position in the gnomAD database. This variant has not been reported in the literature in individuals affected with FOXE3-related conditions. ClinVar contains an entry for this variant (Variation ID: 1525260). Invitae Evidence Modeling of protein sequence and biophysical properties (such as structural, functional, and spatial information, amino acid conservation, physicochemical variation, residue mobility, and thermodynamic stability) indicates that this missense variant is not expected to disrupt FOXE3 protein function with a negative predictive value of 95%. In summary, the available evidence is currently insufficient to determine the role of this variant in disease. Therefore, it has been classified as a Variant of Uncertain Significance.

Ambry Genetics
Classification: Uncertain significance for Cardiovascular phenotype. Last evaluated: 2025-02-24. Review status: criteria provided, single submitter. Criteria: Ambry Variant Classification Scheme 2023. Collection method: clinical testing. Allele origin: germline.

NM_012186.3(FOXE3):c.796C>T (p.Pro266Ser)

Genes: FOXE3 (forkhead box E3; plus strand), LINC01389 (long independently transcribed non-coding RNA 1389; minus strand). Cytogenetic location: 1p33.
Variant type: single nucleotide variant.
Coding change: c.796C>T on transcript NM_012186.3 (MANE Select); coding-DNA position 796, C replaced by T.
Protein change: p.Pro266Ser; replaces proline 266 with serine.
Molecular consequence: missense variant.
Genome position (GRCh38, 1-based): chr1:47,417,111, C>T. VCF-style: chr1-47417111-C-T. GRCh37 (hg19) VCF-style: chr1-47882783-C-T.
Other names: c.796C>T (NM_012186.2); short protein forms P266S.
Identifiers: ClinVar variation 1525260 (VCV001525260.9), dbSNP rs1170907926, ClinGen allele CA340250742.